The following is an entry in ClinVar:

NM_003128.3(SPTBN1):c.3007C>T (p.Arg1003Trp)

Gene: SPTBN1 (spectrin beta, non-erythrocytic 1; plus strand). Cytogenetic location: 2p16.2.
Variant type: single nucleotide variant.
Coding change: c.3007C>T on transcript NM_003128.3 (MANE Select); coding-DNA position 3007, C replaced by T.
Protein change: p.Arg1003Trp; replaces arginine 1003 with tryptophan.
Molecular consequence: missense variant.
Genome position (GRCh38, 1-based): chr2:54,631,054, C>T. VCF-style: chr2-54631054-C-T. GRCh37 (hg19) VCF-style: chr2-54858191-C-T.
Other names: c.2968C>T, p.Arg990Trp (NM_178313.3); short protein forms R1003W, R990W.
Identifiers: ClinVar variation 1318713 (VCV001318713.3), dbSNP rs2103938644, ClinGen allele CA346888477.

ClinVar aggregate classification (germline): Conflicting classifications of pathogenicity. Review status: criteria provided, conflicting classifications (1 of 4 stars). 2 submissions from 2 submitters: Likely pathogenic (1); Uncertain significance (1). Last evaluated 2023-05-18.

Conditions:
SPTBN1-related disorder. Also called: SPTBN1-related condition.

Submissions (2):

PreventionGenetics, part of Exact Sciences
Classification: Likely pathogenic for SPTBN1-related condition. Last evaluated: 2023-05-18. Review status: criteria provided, single submitter. Criteria: ACMG Guidelines, 2015. Collection method: clinical testing. Allele origin: germline.
Comment: The SPTBN1 c.3007C>T variant is predicted to result in the amino acid substitution p.Arg1003Trp. This variant was reported in two siblings with SPTBN1-related autosomal dominant developmental delay, impaired speech, and behavioral abnormalities, and their unaffected mother was mosaic for the change (Cousin et al. 2021. PubMed ID: 34211179). Additionally, functional studies from this paper supported the pathogenicity of this missense change. This variant has not been reported in a large population database, indicating this variant is rare. This variant is interpreted as likely pathogenic.

GeneDx
Classification: Uncertain significance. Last evaluated: 2020-05-18. Review status: criteria provided, single submitter. Criteria: GeneDx Variant Classification Process June 2021. Collection method: clinical testing. Allele origin: germline. Affected: yes.
Comment: Not observed in large population cohorts (Lek et al., 2016); In silico analysis supports that this missense variant has a deleterious effect on protein structure/function; Has not been previously published as pathogenic or benign to our knowledge; Variants in candidate genes are classified as variants of uncertain significance in accordance with ACMG guidelines (Richards et al., 2015)